The following is an entry in ClinVar:

NM_130849.4(SLC39A4):c.1554C>T (p.Ala518=)

Genes: SLC39A4 (solute carrier family 39 member 4; minus strand), LOC130001397 (ATAC-STARR-seq lymphoblastoid active region 28098; plus strand). Cytogenetic location: 8q24.3.
Variant type: single nucleotide variant.
Coding change: c.1554C>T on transcript NM_130849.4 (MANE Select); coding-DNA position 1554, C replaced by T.
Protein change: p.Ala518=; no amino-acid change (alanine 518 retained).
Molecular consequence: synonymous variant.
Genome position (GRCh38, 1-based): chr8:144,413,310, G>A on the plus strand (C>T on the coding strand, the complement: SLC39A4 is on the minus strand). VCF-style: chr8-144413310-G-A. GRCh37 (hg19) VCF-style: chr8-145638694-G-A.
Other names: c.60C>T, p.Ala20= (NM_001280557.2); c.1272C>T, p.Ala424= (NM_001374839.1); c.1479C>T, p.Ala493= (NM_017767.3); c.1554C>T (NM_130849.3).
Identifiers: ClinVar variation 1102741 (VCV001102741.10), dbSNP rs782175689, ClinGen allele CA4941157.

ClinVar aggregate classification (germline): Likely benign. Review status: criteria provided, multiple submitters, no conflicts (2 of 4 stars). 3 submissions from 3 submitters: Likely benign (2). 1 of the submissions does not count toward it. Last evaluated 2024-01-27.

Conditions:
SLC39A4-related disorder. Also called: SLC39A4-related condition.

Allele frequency attached by ClinVar (database versions not stated): TOPMed below 0.00001; gnomAD exomes 0.00003; ExAC 0.00009.
gnomAD v4.1: 49 of 1,603,814 alleles (0.0031%); highest among the groups gnomAD compares: South Asian, 0.038%; no homozygotes.

Submissions (3):

Labcorp Genetics (formerly Invitae), Labcorp
Classification: Likely benign. Last evaluated: 2024-01-27. Review status: criteria provided, single submitter. Criteria: Invitae Variant Classification Sherloc (09022015). Collection method: clinical testing. Allele origin: germline.

Blueprint Genetics
Classification: Likely benign. Last evaluated: 2023-07-19. Review status: criteria provided, single submitter. Criteria: ACMG Guidelines, 2015. Collection method: clinical testing. Allele origin: germline.

PreventionGenetics, part of Exact Sciences
Classification: Likely benign for SLC39A4-related condition. Last evaluated: 2021-11-08. Review status: no assertion criteria provided. Collection method: clinical testing. Allele origin: germline. Not counted in ClinVar's aggregate classification.
Comment: This variant is classified as likely benign based on ACMG/AMP sequence variant interpretation guidelines (Richards et al. 2015 PMID: 25741868, with internal and published modifications).